The following is an entry in ClinVar:

NM_001370298.3(FGD4):c.167-61799G>C

Gene: FGD4 (FYVE, RhoGEF and PH domain containing 4; plus strand). Cytogenetic location: 12p11.21.
Variant type: single nucleotide variant.
Coding change: c.167-61799G>C on transcript NM_001370298.3 (MANE Select); 61799 bases into the intron before coding-DNA position 167, G replaced by C.
Molecular consequence: intron variant. On other transcripts: 5 prime UTR variant (7), non-coding transcript variant (1).
Genome position (GRCh38, 1-based): chr12:32,502,338, G>C. VCF-style: chr12-32502338-G-C. GRCh37 (hg19) VCF-style: chr12-32655272-G-C.
Other names: c.-1090G>C (NM_001304483.2); c.-1397G>C (NM_001304484.2); c.-341G>C (NM_001330373.2); c.-106G>C (NM_001370297.1); c.-246G>C (NM_001384127.1, NM_001384131.1, NM_139241.3); c.167-61799G>C (NM_001384126.1); c.10+16195G>C (NM_001304481.2); c.-341+16195G>C (NM_001330374.2).
Identifiers: ClinVar variation 308281 (VCV000308281.6), dbSNP rs77113168, ClinGen allele CA10632554.

ClinVar aggregate classification (germline): Benign. Review status: criteria provided, multiple submitters, no conflicts (2 of 4 stars). 2 submissions from 2 submitters: Benign (2). Last evaluated 2018-01-13.

Conditions:
Charcot-Marie-Tooth disease type 4H (CMT4H). Also called: CHARCOT-MARIE-TOOTH DISEASE, AUTOSOMAL RECESSIVE, TYPE 4H; CHARCOT-MARIE-TOOTH DISEASE, DEMYELINATING, AUTOSOMAL RECESSIVE, TYPE 4H; CHARCOT-MARIE-TOOTH NEUROPATHY, TYPE 4H; CHARCOT-MARIE-TOOTH DISEASE, DEMYELINATING, TYPE 4H. Identifiers: Orphanet 99954, MedGen C1836336, MONDO:0012250, OMIM 609311.

Allele frequency attached by ClinVar (database versions not stated): gnomAD exomes 0.00097; gnomAD 0.01285 and 0.01443; TOPMed 0.02197; 1000 Genomes Project 0.03235; 1000 Genomes Project 30x 0.03295.
gnomAD v4.1: 3,112 of 985,358 alleles (0.32%); highest among the groups gnomAD compares: Admixed American, 10%; 134 homozygotes.

Submissions (2):

Illumina Laboratory Services, Illumina
Classification: Benign for Charcot-Marie-Tooth disease type 4H. Last evaluated: 2018-01-13. Review status: criteria provided, single submitter. Criteria: ICSL Variant Classification Criteria 13 December 2019. Collection method: clinical testing. Allele origin: germline.
Comment: This variant was observed in the ICSL laboratory as part of a predisposition screen in an ostensibly healthy population. It had not been previously curated by ICSL or reported in the Human Gene Mutation Database (HGMD: prior to June 1st, 2018), and was therefore a candidate for classification through an automated scoring system. Utilizing variant allele frequency, disease prevalence and penetrance estimates, and inheritance mode, an automated score was calculated to assess if this variant is too frequent to cause the disease. Based on the score and internal cut-off values, a variant classified as benign is not then subjected to further curation. The score for this variant resulted in a classification of benign for this disease.

GeneDx
Classification: Benign. Last evaluated: 2015-03-03. Review status: criteria provided, single submitter. Criteria: GeneDx Variant Classification Process June 2021. Collection method: clinical testing. Allele origin: germline. Affected: yes.